The following is an entry in ClinVar:

ClinVar aggregate classification (germline): Likely benign. Review status: criteria provided, multiple submitters, no conflicts (2 of 4 stars). 3 submissions from 3 submitters: Likely benign (3). Last evaluated 2026-01-27.

Conditions:
AARS1-related disorder. Also called: AARS1-related condition.
Charcot-Marie-Tooth disease type 2. Also called: Charcot-Marie-Tooth type 2. Identifiers: Orphanet 64746, MedGen C0270914, MONDO:0018993.

Allele frequency attached by ClinVar (database versions not stated): ESP Exome Variant Server 0.00008; TOPMed 0.00026; gnomAD 0.00030 and 0.00034; 1000 Genomes Project 30x 0.00031; 1000 Genomes Project 0.00040.

Submissions (3):

Labcorp Genetics (formerly Invitae), Labcorp
Classification: Likely benign for Charcot-Marie-Tooth disease type 2. Last evaluated: 2026-01-27. Review status: criteria provided, single submitter. Criteria: Invitae Variant Classification Sherloc (09022015). Collection method: clinical testing. Allele origin: germline.

PreventionGenetics, part of Exact Sciences
Classification: Likely benign for AARS1-related condition. Last evaluated: 2025-07-03. Review status: criteria provided, single submitter. Criteria: ACMG Guidelines, 2015. Collection method: clinical testing. Allele origin: germline.
Comment: This variant is classified as likely benign based on ACMG/AMP sequence variant interpretation guidelines (Richards et al. 2015 PMID: 25741868, with internal and published modifications).

Mayo Clinic Laboratories, Mayo Clinic
Classification: Likely benign. Last evaluated: 2025-04-22. Review status: criteria provided, single submitter. Criteria: ACMG Guidelines, 2015. Collection method: clinical testing. Allele origin: germline. Observed: 1 variant allele.
Comment: BP4, BP7

NM_001605.3(AARS1):c.480-9C>T

Gene: AARS1 (alanyl-tRNA synthetase 1; minus strand). Cytogenetic location: 16q22.1.
Variant type: single nucleotide variant.
Coding change: c.480-9C>T on transcript NM_001605.3 (MANE Select); 9 bases into the intron before coding-DNA position 480, C replaced by T.
Molecular consequence: intron variant.
Genome position (GRCh38, 1-based): chr16:70,271,981, G>A on the plus strand (C>T on the coding strand, the complement: AARS1 is on the minus strand). VCF-style: chr16-70271981-G-A. GRCh37 (hg19) VCF-style: chr16-70305884-G-A.
Other names: p.?.
Identifiers: ClinVar variation 695604 (VCV000695604.13), dbSNP rs376371821, ClinGen allele CA8141118.
Genomic context (GRCh38, chr16:70,271,981, plus strand): 5'-CTCCCAGAAGTTATCCTTCATGTTGCCTGGGAGGATTTTGGTGTCATCCAGCCTGACAAA[G>A]GAGTAAAGATAAGTCCAGTTACAGCCCCTGACAAGAGTTCTGCCCAGACTTGCAACCACC-3'